The following is an entry in ClinVar:

ClinVar aggregate classification (germline): Pathogenic/Likely pathogenic. Review status: criteria provided, multiple submitters, no conflicts (2 of 4 stars). 2 submissions from 2 submitters: Pathogenic (1); Likely pathogenic (1). Last evaluated 2024-02-21.

Conditions:
LAMA2-related muscular dystrophy (LAMA2-RD). Also called: Laminin alpha 2-related dystrophy. Identifiers: MedGen C5679788, MONDO:0100228.
Merosin deficient congenital muscular dystrophy (MDC1A). Also called: Congenital Muscular Dystrophy Type 1A (MDC1A); Congenital merosin-deficient muscular dystrophy 1A. Identifiers: Orphanet 258, MedGen C1263858, MONDO:0011925, OMIM 607855.

Submissions (2):

Myriad Genetics, Inc.
Classification: Pathogenic for LAMA2-related muscular dystrophy. Last evaluated: 2024-02-21. Review status: criteria provided, single submitter. Criteria: Myriad Autosomal Dominant, Autosomal Recessive and X-Linked Classification Criteria (2023). Collection method: clinical testing. Allele origin: unknown.
Comment: NM_000426.3(LAMA2):c.8540G>A(W2847*) is expected to be pathogenic in the context of muscular dystrophy, LAMA2-related. This variant is predicted to lead to an abnormal or absent protein product due to the creation of a premature termination codon in LAMA2, a gene where loss-of-function variants are known to be pathogenic. Please note: this variant was assessed in the context of healthy population screening.

Baylor Genetics
Classification: Likely pathogenic for Merosin deficient congenital muscular dystrophy. Last evaluated: 2022-12-29. Review status: criteria provided, single submitter. Criteria: ACMG Guidelines, 2015. Collection method: clinical testing. Allele origin: unknown.

NM_000426.4(LAMA2):c.8540G>A (p.Trp2847Ter)

Gene: LAMA2 (laminin subunit alpha 2; plus strand). Cytogenetic location: 6q22.33.
Variant type: single nucleotide variant.
Coding change: c.8540G>A on transcript NM_000426.4 (MANE Select); coding-DNA position 8540, G replaced by A.
Protein change: p.Trp2847Ter; replaces tryptophan 2847 with a stop codon.
Molecular consequence: nonsense.
Genome position (GRCh38, 1-based): chr6:129,503,273, G>A. VCF-style: chr6-129503273-G-A. GRCh37 (hg19) VCF-style: chr6-129824418-G-A.
Other names: c.8528G>A, p.Trp2843Ter (NM_001079823.2); short protein forms W2843*, W2847*.
Identifiers: ClinVar variation 2676263 (VCV002676263.2), dbSNP rs2533539139, ClinGen allele CA365634490.
Genomic context (GRCh38, chr6:129,503,273, plus strand): 5'-ATGACTTGGGGAGTGGGGACACCCACACCATGATCCCCACCAAAATCAATGATGGCCAGT[G>A]GCACAAGGTAATAGTCCCCTGGATATTGGCAGTACCCTAAGGGAATTACTGAGTGGCAGC-3'